The following is an entry in ClinVar:

ClinVar aggregate classification (germline): Uncertain significance (1 of 4 stars; one submission).

Conditions:
Hereditary cancer-predisposing syndrome. Also called: Neoplastic Syndromes, Hereditary; Tumor predisposition; Hereditary neoplastic syndrome; Hereditary Cancer Syndrome. Identifiers: Orphanet 140162, MedGen C0027672, MeSH D009386, MONDO:0015356.

gnomAD v4.1: 1 of 1,613,912 alleles (0.000062%); highest among the groups gnomAD compares: Non-Finnish European, 0.000085%; no homozygotes.

Submission:

Ambry Genetics
Classification: Uncertain significance for Hereditary cancer-predisposing syndrome. Last evaluated: 2026-09-02. Review status: criteria provided, single submitter. Criteria: Ambry Variant Classification Scheme 2023. Collection method: clinical testing. Allele origin: germline.
Comment: The p.R1033K variant (also known as c.3098G>A), located in coding exon 21 of the TSC1 gene, results from a G to A substitution at nucleotide position 3098. The arginine at codon 1033 is replaced by lysine, an amino acid with highly similar properties. This amino acid position is well conserved in available vertebrate species. In addition, this alteration is predicted to be tolerated by in silico analysis. Based on the available evidence, the clinical significance of this variant remains unclear.

NM_000368.5(TSC1):c.3098G>A (p.Arg1033Lys)

Gene: TSC1 (TSC complex subunit 1; minus strand). Cytogenetic location: 9q34.13.
Variant type: single nucleotide variant.
Coding change: c.3098G>A on transcript NM_000368.5 (MANE Select); coding-DNA position 3098, G replaced by A.
Protein change: p.Arg1033Lys; replaces arginine 1033 with lysine.
Molecular consequence: missense variant. On other transcripts: non-coding transcript variant (5).
Genome position (GRCh38, 1-based): chr9:132,896,632, C>T on the plus strand (G>A on the coding strand, the complement: TSC1 is on the minus strand). VCF-style: chr9-132896632-C-T. GRCh37 (hg19) VCF-style: chr9-135772019-C-T.
Other names: c.3095G>A, p.Arg1032Lys (NM_001162426.2, NM_001406597.1, NM_001406598.1 and 2 more transcripts); c.2945G>A, p.Arg982Lys (NM_001162427.2, NM_001406610.1); c.2735G>A, p.Arg912Lys (NM_001362177.2, NM_001406614.1, NM_001406615.1 and 4 more transcripts); c.3098G>A, p.Arg1033Lys (NM_001406592.1, NM_001406593.1, NM_001406594.1 and 2 more transcripts); c.3083G>A, p.Arg1028Lys (NM_001406601.1, NM_001406602.1); c.3080G>A, p.Arg1027Lys (NM_001406603.1, NM_001406604.1); c.3056G>A, p.Arg1019Lys (NM_001406605.1, NM_001406606.1, NM_001406607.1); c.3053G>A, p.Arg1018Lys (NM_001406608.1, NM_001406609.1); and 8 more; short protein forms R1018K, R1028K, R715K, R1027K, R1019K, R1032K, R1033K, R716K.
Identifiers: ClinVar variation 5031265 (VCV005031265.1).